The following is an entry in ClinVar:

NM_002235.5(KCNA6):c.555C>T (p.Leu185=)

Genes: KCNA6 (potassium voltage-gated channel subfamily A member 6; plus strand), KCNA6-AS1 (KCNA6 antisense RNA 1; minus strand). Cytogenetic location: 12p13.32.
Variant type: single nucleotide variant.
Coding change: c.555C>T on transcript NM_002235.5 (MANE Select); coding-DNA position 555, C replaced by T.
Protein change: p.Leu185=; no amino-acid change (leucine 185 retained).
Molecular consequence: synonymous variant. On other transcripts: non-coding transcript variant (3).
Genome position (GRCh38, 1-based): chr12:4,810,596, C>T. VCF-style: chr12-4810596-C-T. GRCh37 (hg19) VCF-style: chr12-4919762-C-T.
Identifiers: ClinVar variation 4980848 (VCV004980848.1).

ClinVar aggregate classification (germline): Likely benign (1 of 4 stars; one submission).

Conditions:
KCNA6-related condition.

gnomAD v4.1: 75 of 1,614,202 alleles (0.0046%); highest among the groups gnomAD compares: Non-Finnish European, 0.006%; no homozygotes.

Submission:

PreventionGenetics, part of Exact Sciences
Classification: Likely benign for KCNA6-related condition. Last evaluated: 2025-08-05. Review status: criteria provided, single submitter. Criteria: ACMG Guidelines, 2015. Collection method: clinical testing. Allele origin: germline.
Comment: This variant is classified as likely benign based on ACMG/AMP sequence variant interpretation guidelines (Richards et al. 2015 PMID: 25741868, with internal and published modifications).